The following is an entry in ClinVar:

ClinVar aggregate classification (germline): Uncertain significance. Review status: criteria provided, multiple submitters, no conflicts (2 of 4 stars). 2 submissions from 2 submitters: Uncertain significance (2). Last evaluated 2025-07-07.

Conditions:
Hereditary pheochromocytoma and paraganglioma. Also called: Hereditary paragangliomas and pheochromocytomas; Hereditary Paraganglioma-Pheochromocytoma Syndromes; Hereditary pheochromocytoma-paraganglioma. Identifiers: Orphanet 29072, MedGen C4274332, MONDO:0017366.

Submissions (2):

GeneDx
Classification: Uncertain significance. Last evaluated: 2025-07-07. Review status: criteria provided, single submitter. Criteria: GeneDx Variant Classification Process June 2021. Collection method: clinical testing. Allele origin: germline. Affected: yes.
Comment: Not observed at significant frequency in large population cohorts (gnomAD); In silico analysis suggests that this missense variant does not alter protein structure/function; Has not been previously published as pathogenic or benign to our knowledge

Labcorp Genetics (formerly Invitae), Labcorp
Classification: Uncertain significance for Hereditary pheochromocytoma and paraganglioma. Last evaluated: 2022-02-23. Review status: criteria provided, single submitter. Criteria: Invitae Variant Classification Sherloc (09022015). Collection method: clinical testing. Allele origin: germline.
Comment: This sequence change replaces serine, which is neutral and polar, with proline, which is neutral and non-polar, at codon 30 of the SDHAF2 protein (p.Ser30Pro). This variant is not present in population databases (gnomAD no frequency). This variant has not been reported in the literature in individuals affected with SDHAF2-related conditions. Algorithms developed to predict the effect of missense changes on protein structure and function output the following: SIFT: "Tolerated"; PolyPhen-2: "Benign"; Align-GVGD: "Class C0". The proline amino acid residue is found in multiple mammalian species, which suggests that this missense change does not adversely affect protein function. In summary, the available evidence is currently insufficient to determine the role of this variant in disease. Therefore, it has been classified as a Variant of Uncertain Significance.

NM_017841.4(SDHAF2):c.88T>C (p.Ser30Pro)

Gene: SDHAF2 (succinate dehydrogenase complex assembly factor 2; plus strand). Cytogenetic location: 11q12.2.
Variant type: single nucleotide variant.
Coding change: c.88T>C on transcript NM_017841.4 (MANE Select); coding-DNA position 88, T replaced by C.
Protein change: p.Ser30Pro; replaces serine 30 with proline.
Molecular consequence: missense variant.
Genome position (GRCh38, 1-based): chr11:61,437,676, T>C. VCF-style: chr11-61437676-T-C. GRCh37 (hg19) VCF-style: chr11-61205148-T-C.
Other names: short protein forms S30P.
Identifiers: ClinVar variation 2102461 (VCV002102461.5), dbSNP rs1312756692, ClinGen allele CA380682979.